The following is an entry in ClinVar:

NM_005084.4(PLA2G7):c.1277A>G (p.Asn426Ser)

Gene: PLA2G7 (phospholipase A2 group VII; minus strand). Cytogenetic location: 6p12.3.
Variant type: single nucleotide variant.
Coding change: c.1277A>G on transcript NM_005084.4 (MANE Select); coding-DNA position 1277, A replaced by G.
Protein change: p.Asn426Ser; replaces asparagine 426 with serine.
Molecular consequence: missense variant.
Genome position (GRCh38, 1-based): chr6:46,704,609, T>C on the plus strand (A>G on the coding strand, the complement: PLA2G7 is on the minus strand). VCF-style: chr6-46704609-T-C. GRCh37 (hg19) VCF-style: chr6-46672346-T-C.
Other names: c.1277A>G, p.Asn426Ser (NM_001168357.2); short protein forms N426S.
Identifiers: ClinVar variation 2627278 (VCV002627278.3), dbSNP rs140268311, ClinGen allele CA3840097.
Genomic context (GRCh38, chr6:46,704,609, plus strand): 5'-CTATTTTAATCCTAATTGTATTTCTCTATTCCTGAAGAGTTCTGTAACATGATGTGTTGA[T>C]TGGTTGTGTTAATGTTGGTCCCTGGAATAAGATTCTCATCATCTCCTTCAATCAAGCAGT-3'
Protein context (NP_005075.3, residues 416-436): LIPGTNINTT[Asn426Ser]QHIMLQNSSG

ClinVar aggregate classification (germline): Uncertain significance. Review status: criteria provided, multiple submitters, no conflicts (2 of 4 stars). 2 submissions from 2 submitters: Uncertain significance (2). Last evaluated 2025-08-09.

Allele frequency attached by ClinVar (database versions not stated): gnomAD exomes 0.00013; ExAC 0.00044; 1000 Genomes Project 0.00120; 1000 Genomes Project 30x 0.00125; gnomAD 0.00131; TOPMed 0.00170; ESP Exome Variant Server 0.00200.
gnomAD v4.1: 397 of 1,589,858 alleles (0.025%); highest among the groups gnomAD compares: African/African-American, 0.42%; 1 homozygote.

Submissions (2):

Ambry Genetics
Classification: Uncertain significance. Last evaluated: 2025-08-09. Review status: criteria provided, single submitter. Criteria: Ambry Variant Classification Scheme 2023. Collection method: clinical testing. Allele origin: germline.

Women's Health and Genetics/Laboratory Corporation of America, LabCorp
Classification: Uncertain significance. Last evaluated: 2025-07-28. Review status: criteria provided, single submitter. Criteria: LabCorp Variant Classification Summary - May 2015. Collection method: clinical testing. Allele origin: germline.
Comment: Variant summary: PLA2G7 c.1277A>G (p.Asn426Ser) results in a conservative amino acid change in the encoded protein sequence. Algorithms developed to predict the effect of missense changes on protein structure and function all suggest that this variant is likely to be tolerated. The variant allele was found at a frequency of 0.00039 in 251094 control chromosomes (gnomAD). This frequency is not significantly higher than estimated for a pathogenic variant in PLA2G7 causing Platelet-Activating Factor Acetylhydrolase Deficiency, allowing no conclusion about variant significance. To our knowledge, no occurrence of c.1277A>G in individuals affected with Platelet-Activating Factor Acetylhydrolase Deficiency and no experimental evidence demonstrating its impact on protein function have been reported. ClinVar contains an entry for this variant (Variation ID: 2627278). Based on the evidence outlined above, the variant was classified as uncertain significance.